The following is an entry in ClinVar:

NM_198834.3(ACACA):c.332A>G (p.His111Arg)

Gene: ACACA (acetyl-CoA carboxylase alpha; minus strand). Cytogenetic location: 17q12.
Variant type: single nucleotide variant.
Coding change: c.332A>G on transcript NM_198834.3 (MANE Select); coding-DNA position 332, A replaced by G.
Protein change: p.His111Arg; replaces histidine 111 with arginine.
Molecular consequence: missense variant.
Genome position (GRCh38, 1-based): chr17:37,330,179, T>C on the plus strand (A>G on the coding strand, the complement: ACACA is on the minus strand). VCF-style: chr17-37330179-T-C. GRCh37 (hg19) VCF-style: chr17-35687119-T-C.
Other names: c.221A>G, p.His74Arg (NM_198836.3, NM_198839.3); short protein forms H111R, H74R.
Identifiers: ClinVar variation 2030711 (VCV002030711.4), dbSNP rs2147219797, ClinGen allele CA398746914.

ClinVar aggregate classification (germline): Uncertain significance (1 of 4 stars; one submission).

Submission:

Labcorp Genetics (formerly Invitae), Labcorp
Classification: Uncertain significance. Last evaluated: 2022-09-29. Review status: criteria provided, single submitter. Criteria: Invitae Variant Classification Sherloc (09022015). Collection method: clinical testing. Allele origin: germline.
Comment: This sequence change replaces histidine, which is basic and polar, with arginine, which is basic and polar, at codon 74 of the ACACA protein (p.His74Arg). This variant has not been reported in the literature in individuals affected with ACACA-related conditions. This variant is not present in population databases (gnomAD no frequency). In summary, the available evidence is currently insufficient to determine the role of this variant in disease. Therefore, it has been classified as a Variant of Uncertain Significance. Algorithms developed to predict the effect of missense changes on protein structure and function (SIFT, PolyPhen-2, Align-GVGD) all suggest that this variant is likely to be tolerated.